The following is an entry in ClinVar:

NC_000007.13:g.(?_117218381)_(117254777_?)del

Gene: CFTR (CF transmembrane conductance regulator; plus strand). Cytogenetic location: 7q31.2.
Variant type: Deletion.
Identifiers: ClinVar variation 1074249 (VCV001074249.5).

ClinVar aggregate classification (germline): Pathogenic (1 of 4 stars; one submission).

Conditions:
Cystic fibrosis (CF). Also called: MUCOVISCIDOSIS. Identifiers: Orphanet 586, MedGen C0010674, MONDO:0009061, OMIM 219700. Disease mechanism: loss of function.

Submission:

Labcorp Genetics (formerly Invitae), Labcorp
Classification: Pathogenic for Cystic fibrosis. Last evaluated: 2022-09-30. Review status: criteria provided, single submitter. Criteria: Invitae Variant Classification Sherloc (09022015). Collection method: clinical testing. Allele origin: germline.
Comment: This variant is a gross deletion of the genomic region encompassing exon(s) 12-21 of the CFTR gene. This variant would be expected to be in-frame, preserving the integrity of the reading frame. A similar copy number variant has been observed in individual(s) with CFTR-related disorders, and has also been reported in conjunction with a deletion of exons 4-8 as part of a complex inversion within the CFTR gene (PMID: 23687349). This variant is also known as deletion exon 11-18 in legacy nomenclature, or, when in the same copy of the gene as deletion of exons 4-8, CFTR50kbdel. The region of the CFTR gene that includes exon(s) 19-21 has been determined to be clinically significant (PMID: 15025720, 16362824, 28603918). Therefore, deletions that encompass that region are likely to be disease-causing. For these reasons, this variant has been classified as Pathogenic.

Literature cited by the submitters: PubMed 23687349; PubMed 15025720; PubMed 16362824; PubMed 28603918.